The following is an entry in ClinVar:

ClinVar aggregate classification (germline): Uncertain significance (1 of 4 stars; one submission).

Conditions:
Bethlem myopathy 1A. Also called: MYOPATHY, BENIGN CONGENITAL, WITH CONTRACTURES; Bethlem myopathy 1; Bethlem Muscular Dystrophy. Identifiers: Orphanet 610, MedGen CN029274, MONDO:0024530, OMIM 158810.

Submission:

Labcorp Genetics (formerly Invitae), Labcorp
Classification: Uncertain significance for Bethlem myopathy 1A. Last evaluated: 2022-04-15. Review status: criteria provided, single submitter. Criteria: Invitae Variant Classification Sherloc (09022015). Collection method: clinical testing. Allele origin: germline.
Comment: This sequence change replaces serine, which is neutral and polar, with arginine, which is basic and polar, at codon 686 of the COL6A2 protein (p.Ser686Arg). In summary, the available evidence is currently insufficient to determine the role of this variant in disease. Therefore, it has been classified as a Variant of Uncertain Significance. Algorithms developed to predict the effect of sequence changes on RNA splicing suggest that this variant may create or strengthen a splice site. Advanced modeling of protein sequence and biophysical properties (such as structural, functional, and spatial information, amino acid conservation, physicochemical variation, residue mobility, and thermodynamic stability) performed at Invitae indicates that this missense variant is not expected to disrupt COL6A2 protein function. This variant has not been reported in the literature in individuals affected with COL6A2-related conditions. This variant is not present in population databases (gnomAD no frequency).

NM_001849.4(COL6A2):c.2056A>C (p.Ser686Arg)

Gene: COL6A2 (collagen type VI alpha 2 chain; plus strand). Cytogenetic location: 21q22.3.
Variant type: single nucleotide variant.
Coding change: c.2056A>C on transcript NM_001849.4 (MANE Select); coding-DNA position 2056, A replaced by C.
Protein change: p.Ser686Arg; replaces serine 686 with arginine.
Molecular consequence: missense variant.
Genome position (GRCh38, 1-based): chr21:46,125,871, A>C. VCF-style: chr21-46125871-A-C. GRCh37 (hg19) VCF-style: chr21-47545785-A-C.
Other names: c.2056A>C, p.Ser686Arg (NM_058174.3, NM_058175.3); short protein forms S686R.
Identifiers: ClinVar variation 2126510 (VCV002126510.4), dbSNP rs2517017563, ClinGen allele CA410541353.